The following is an entry in ClinVar:

ClinVar aggregate classification (germline): Benign. Review status: criteria provided, single submitter (1 of 4 stars). 2 submissions from 2 submitters: Benign (1). 1 of the submissions does not count toward it. Last evaluated 2019-12-31.

Conditions:
CELSR1-related disorder. Also called: CELSR1-related condition.

Allele frequency attached by ClinVar (database versions not stated): gnomAD exomes 0.00012 and 0.00031; ExAC 0.00038; gnomAD 0.00125 and 0.00130; TOPMed 0.00129; ESP Exome Variant Server 0.00131; 1000 Genomes Project 0.00140; 1000 Genomes Project 30x 0.00203.
gnomAD v4.1: 365 of 1,614,208 alleles (0.023%); highest among the groups gnomAD compares: African/African-American, 0.39%; 1 homozygote.

Submissions (2):

Labcorp Genetics (formerly Invitae), Labcorp
Classification: Benign. Last evaluated: 2019-12-31. Review status: criteria provided, single submitter. Criteria: Invitae Variant Classification Sherloc (09022015). Collection method: clinical testing. Allele origin: germline.

PreventionGenetics, part of Exact Sciences
Classification: Likely benign for CELSR1-related condition. Last evaluated: 2019-03-25. Review status: no assertion criteria provided. Collection method: clinical testing. Allele origin: germline. Not counted in ClinVar's aggregate classification.
Comment: This variant is classified as likely benign based on ACMG/AMP sequence variant interpretation guidelines (Richards et al. 2015 PMID: 25741868, with internal and published modifications).

NM_001378328.1(CELSR1):c.4683T>C (p.Asp1561=)

Gene: CELSR1 (cadherin EGF LAG seven-pass G-type receptor 1; minus strand). Cytogenetic location: 22q13.31.
Variant type: single nucleotide variant.
Coding change: c.4683T>C on transcript NM_001378328.1 (MANE Select); coding-DNA position 4683, T replaced by C.
Protein change: p.Asp1561=; no amino-acid change (aspartic acid 1561 retained).
Molecular consequence: synonymous variant.
Genome position (GRCh38, 1-based): chr22:46,411,688, A>G on the plus strand (T>C on the coding strand, the complement: CELSR1 is on the minus strand). VCF-style: chr22-46411688-A-G. GRCh37 (hg19) VCF-style: chr22-46807585-A-G.
Other names: c.4683T>C, p.Asp1561= (NM_014246.4).
Identifiers: ClinVar variation 714842 (VCV000714842.6), dbSNP rs147486726, ClinGen allele CA10294556.